The following is an entry in ClinVar:

NM_000093.5(COL5A1):c.5415del (p.Val1807fs)

Genes: COL5A1 (collagen type V alpha 1 chain; plus strand), LOC101448202 (uncharacterized LOC101448202; minus strand). Cytogenetic location: 9q34.3.
Variant type: Deletion.
Coding change: c.5415del on transcript NM_000093.5 (MANE Select); coding-DNA position 5415, one base deleted (C; older notation c.5415delC).
Protein change: p.Val1807fs; shifts the reading frame from valine 1807.
Molecular consequence: frameshift variant.
Genome position (GRCh38, 1-based): chr9:134,842,201, C deleted; the last of 5 consecutive C bases (chr9:134,842,197-134,842,201); deleting any one gives the same sequence. VCF-style (leftmost placement, unchanged base first): chr9-134842196-AC-A. GRCh37 (hg19) VCF-style: chr9-137734042-AC-A.
Other names: c.5415del, p.Val1807fs (NM_001278074.1); short protein forms V1807fs.
Identifiers: ClinVar variation 1386600 (VCV001386600.6), dbSNP rs2132943031, ClinGen allele CA2573144145.
Genomic context (GRCh38, chr9:134,842,196, plus strand): 5'-ATCTGTCTCCCTCTTCCCCAGACCAAGAAAGGCTACCAGAAGACGGTTCTGGAGATCGAC[AC>A]CCCCAAAGTGGAGCAGGTGCCCATCGTGGACATCATGTTCAATGACTTCGGTGAAGCGTC-3'

ClinVar aggregate classification (germline): Pathogenic (1 of 4 stars; one submission).

Conditions:
Ehlers-Danlos syndrome, classic type, 1 (EDSCL1). Also called: EHLERS-DANLOS SYNDROME, GRAVIS TYPE; EHLERS-DANLOS SYNDROME, SEVERE CLASSIC TYPE; Ehlers-Danlos syndrome, type 1; Ehlers-Danlos Syndrome, Classic Type, COL5A1-Related; EDS I. Identifiers: MedGen C0268335, MONDO:0019567, OMIM 130000.

Submission:

Labcorp Genetics (formerly Invitae), Labcorp
Classification: Pathogenic for Ehlers-Danlos syndrome, classic type, 1. Last evaluated: 2021-07-25. Review status: criteria provided, single submitter. Criteria: Invitae Variant Classification Sherloc (09022015). Collection method: clinical testing. Allele origin: germline.
Comment: For these reasons, this variant has been classified as Pathogenic. This variant disrupts a region of the COL5A1 protein in which other variant(s) (p.Gln1825*) have been determined to be pathogenic (Invitae). This suggests that this is a clinically significant region of the protein, and that variants that disrupt it are likely to be disease-causing. This variant has not been reported in the literature in individuals affected with COL5A1-related conditions. This variant is not present in population databases (ExAC no frequency). This sequence change results in a frameshift in the COL5A1 gene (p.Val1807Trpfs*60). While this is not anticipated to result in nonsense mediated decay, it is expected to disrupt the last 32 amino acid(s) of the COL5A1 protein and extend the protein by 27 additional amino acid residues.